The following is an entry in ClinVar:

NM_152744.4(SDK1):c.4899G>A (p.Thr1633=)

Gene: SDK1 (sidekick cell adhesion molecule 1; plus strand). Cytogenetic location: 7p22.2.
Variant type: single nucleotide variant.
Coding change: c.4899G>A on transcript NM_152744.4 (MANE Select); coding-DNA position 4899, G replaced by A.
Protein change: p.Thr1633=; no amino-acid change (threonine 1633 retained).
Molecular consequence: synonymous variant.
Genome position (GRCh38, 1-based): chr7:4,174,320, G>A. VCF-style: chr7-4174320-G-A. GRCh37 (hg19) VCF-style: chr7-4213952-G-A.
Other names: c.360G>A, p.Thr120= (NM_001079653.2).
Identifiers: ClinVar variation 2657251 (VCV002657251.24), dbSNP rs145947614, ClinGen allele CA4135319.

ClinVar aggregate classification (germline): Likely benign (1 of 4 stars; one submission).

Allele frequency attached by ClinVar (database versions not stated): ESP Exome Variant Server 0.00015; gnomAD 0.00026; TOPMed 0.00026; 1000 Genomes Project 0.00120; 1000 Genomes Project 30x 0.00125.
gnomAD v4.1: 485 of 1,613,832 alleles (0.03%); highest among the groups gnomAD compares: Middle Eastern, 0.45%; 1 homozygote.

Submission:

CeGaT Center for Human Genetics Tuebingen
Classification: Likely benign. Last evaluated: 2023-03-01. Review status: criteria provided, single submitter. Criteria: CeGaT Center For Human Genetics Tuebingen Variant Classification Criteria Version 2. Collection method: clinical testing. Allele origin: germline. Affected: yes. Observed: 1 variant allele.
Comment: SDK1: BP4, BP7